The following is an entry in ClinVar:

ClinVar aggregate classification (germline): Uncertain significance. Review status: criteria provided, multiple submitters, no conflicts (2 of 4 stars). 2 submissions from 2 submitters: Uncertain significance (2). Last evaluated 2024-02-28.

Submissions (2):

Ambry Genetics
Classification: Uncertain significance. Last evaluated: 2024-02-28. Review status: criteria provided, single submitter. Criteria: Ambry Variant Classification Scheme 2023. Collection method: clinical testing. Allele origin: germline.

Labcorp Genetics (formerly Invitae), Labcorp
Classification: Uncertain significance. Last evaluated: 2022-11-14. Review status: criteria provided, single submitter. Criteria: Invitae Variant Classification Sherloc (09022015). Collection method: clinical testing. Allele origin: germline.
Comment: This sequence change replaces arginine, which is basic and polar, with histidine, which is basic and polar, at codon 62 of the SNIP1 protein (p.Arg62His). The frequency data for this variant in the population databases is considered unreliable, as metrics indicate poor data quality at this position in the gnomAD database. This variant has not been reported in the literature in individuals affected with SNIP1-related conditions. Algorithms developed to predict the effect of missense changes on protein structure and function (SIFT, PolyPhen-2, Align-GVGD) all suggest that this variant is likely to be tolerated. In summary, the available evidence is currently insufficient to determine the role of this variant in disease. Therefore, it has been classified as a Variant of Uncertain Significance.

NM_024700.4(SNIP1):c.185G>A (p.Arg62His)

Genes: SNIP1 (Smad nuclear interacting protein 1; minus strand), LOC129930156 (ATAC-STARR-seq lymphoblastoid silent region 673; plus strand). Cytogenetic location: 1p34.3.
Variant type: single nucleotide variant.
Coding change: c.185G>A on transcript NM_024700.4 (MANE Select); coding-DNA position 185, G replaced by A.
Protein change: p.Arg62His; replaces arginine 62 with histidine.
Molecular consequence: missense variant.
Genome position (GRCh38, 1-based): chr1:37,554,045, C>T on the plus strand (G>A on the coding strand, the complement: SNIP1 is on the minus strand). VCF-style: chr1-37554045-C-T. GRCh37 (hg19) VCF-style: chr1-38019646-C-T.
Other names: c.185G>A (NM_024700.2); short protein forms R62H.
Identifiers: ClinVar variation 1922050 (VCV001922050.6), dbSNP rs1334809721, ClinGen allele CA339429788.